The following is an entry in ClinVar:

ClinVar aggregate classification (germline): Conflicting classifications of pathogenicity. Review status: criteria provided, conflicting classifications (1 of 4 stars). 5 submissions from 5 submitters: Uncertain significance (4); Likely benign (1). Last evaluated 2025-08-29.

Conditions:
Catecholaminergic polymorphic ventricular tachycardia 1. Also called: RYR2-Related Catecholaminergic Polymorphic Ventricular Tachycardia; VENTRICULAR TACHYCARDIA, CATECHOLAMINERGIC POLYMORPHIC, 1, WITH OR WITHOUT ATRIAL DYSFUNCTION AND/OR DILATED CARDIOMYOPATHY; VENTRICULAR TACHYCARDIA, STRESS-INDUCED POLYMORPHIC 1. Identifiers: Orphanet 3286, MedGen C1631597, MONDO:0011484, OMIM 604772.
Arrhythmogenic right ventricular dysplasia 2. Identifiers: MedGen C1832931.
Ventricular arrhythmias due to cardiac ryanodine receptor calcium release deficiency syndrome. Also called: Autosomal dominant cardiac arrhythmia (Kuhn). Identifiers: MedGen C5542154, MONDO:0020745, OMIM 115000.
Cardiovascular phenotype. Identifiers: MedGen CN230736.
Catecholaminergic polymorphic ventricular tachycardia (CVPT). Also called: Catecholamine-induced polymorphic ventricular tachycardia. Identifiers: Orphanet 3286, MedGen C5574922, MONDO:0017990.
Cardiomyopathy (CMYO). Also called: Cardiomyopathies. Identifiers: Orphanet 167848, MedGen C0878544, MONDO:0004994, HP:0001638. Inheritance: Various modes of inheritance.

Allele frequency attached by ClinVar (database versions not stated): ExAC 0.00001; gnomAD 0.00001; gnomAD exomes 0.00001 and 0.00003; TOPMed 0.00002.
gnomAD v4.1: 9 of 1,613,428 alleles (0.00056%); highest among the groups gnomAD compares: Admixed American, 0.012%; no homozygotes.

Submissions (5):

Labcorp Genetics (formerly Invitae), Labcorp
Classification: Likely benign for Catecholaminergic polymorphic ventricular tachycardia 1. Last evaluated: 2025-08-29. Review status: criteria provided, single submitter. Criteria: Invitae Variant Classification Sherloc (09022015). Collection method: clinical testing. Allele origin: germline.

All of Us Research Program, National Institutes of Health
Classification: Uncertain significance for Catecholaminergic polymorphic ventricular tachycardia. Last evaluated: 2024-09-23. Review status: criteria provided, single submitter. Criteria: ACMG Guidelines, 2015. Collection method: clinical testing. Allele origin: germline. Inheritance: Autosomal dominant inheritance. Observed: 5 variant alleles, 5 heterozygotes.
Comment: This missense variant replaces lysine with glutamine at codon 475 of the RYR2 protein. Computational prediction tools and conservation analyses suggest that this variant may have deleterious impact on the protein function. Computational splicing tools suggest that this variant may not impact RNA splicing. To our knowledge, functional assays have not been performed for this variant nor has this variant been reported in individuals affected with cardiovascular disorders in the literature. This variant has been identified in 7/248680 chromosomes in the general population by the Genome Aggregation Database (gnomAD). Available evidence is insufficient to determine the role of this variant in disease conclusively. Therefore, this variant is classified as a Variant of Uncertain Significance.

This study involves interpretation of variants in research participants for the purpose of population health screening. Participant phenotype was not available at the time of variant classification. Additional details can be found in publication PMID: 35346344, PMCID: PMC8962531

Color Diagnostics, LLC DBA Color Health
Classification: Uncertain significance for Cardiomyopathy. Last evaluated: 2023-10-05. Review status: criteria provided, single submitter. Criteria: ACMG Guidelines, 2015. Collection method: clinical testing. Allele origin: germline.
Comment: This missense variant replaces lysine with glutamine at codon 475 of the RYR2 protein. Computational prediction is inconclusive regarding the impact of this variant on protein structure and function (internally defined REVEL score threshold 0.5 < inconclusive < 0.7, PMID: 27666373). To our knowledge, functional studies have not been reported for this variant. This variant has not been reported in individuals affected with RYR2-related disorders in the literature. This variant has been identified in 7/248680 chromosomes in the general population by the Genome Aggregation Database (gnomAD). The available evidence is insufficient to determine the role of this variant in disease conclusively. Therefore, this variant is classified as a Variant of Uncertain Significance.

Ambry Genetics
Classification: Uncertain significance for Cardiovascular phenotype. Last evaluated: 2023-09-07. Review status: criteria provided, single submitter. Criteria: Ambry Variant Classification Scheme 2023. Collection method: clinical testing. Allele origin: germline.
Comment: The p.K475Q variant (also known as c.1423A>C), located in coding exon 15 of the RYR2 gene, results from an A to C substitution at nucleotide position 1423. The lysine at codon 475 is replaced by glutamine, an amino acid with similar properties. This amino acid position is well conserved in available vertebrate species. In addition, the in silico prediction for this alteration is inconclusive. Since supporting evidence is limited at this time, the clinical significance of this alteration remains unclear.

Fulgent Genetics
Classification: Uncertain significance for Ventricular arrhythmias due to cardiac ryanodine receptor calcium release deficiency syndrome; Catecholaminergic polymorphic ventricular tachycardia 1. Last evaluated: 2021-07-20. Review status: criteria provided, single submitter. Criteria: ACMG Guidelines, 2015. Collection method: clinical testing. Allele origin: unknown.

NM_001035.3(RYR2):c.1423A>C (p.Lys475Gln)

Gene: RYR2 (ryanodine receptor 2; plus strand). Cytogenetic location: 1q43.
Variant type: single nucleotide variant.
Coding change: c.1423A>C on transcript NM_001035.3 (MANE Select); coding-DNA position 1423, A replaced by C.
Protein change: p.Lys475Gln; replaces lysine 475 with glutamine.
Molecular consequence: missense variant.
Genome position (GRCh38, 1-based): chr1:237,454,521, A>C. VCF-style: chr1-237454521-A-C. GRCh37 (hg19) VCF-style: chr1-237617821-A-C.
Other names: c.1423A>C, p.Lys475Gln (LRG_402t1); short protein forms K475Q.
Identifiers: ClinVar variation 572506 (VCV000572506.20), dbSNP rs765389300, ClinGen allele CA085612.